The following is an entry in ClinVar:

ClinVar aggregate classification (germline): Uncertain significance (1 of 4 stars; one submission).

Conditions:
Inborn genetic diseases. Identifiers: MedGen C0950123, MeSH D030342.

gnomAD v4.1: 1 of 1,614,094 alleles (0.000062%); highest among the groups gnomAD compares: Non-Finnish European, 0.000085%; no homozygotes.

Submission:

Ambry Genetics
Classification: Uncertain significance for Inborn genetic diseases. Last evaluated: 2025-04-05. Review status: criteria provided, single submitter. Criteria: Ambry Variant Classification Scheme 2023. Collection method: clinical testing. Allele origin: germline.
Comment: The p.Q443R variant (also known as c.1328A>G), located in coding exon 10 of the BUB1B gene, results from an A to G substitution at nucleotide position 1328. The glutamine at codon 443 is replaced by arginine, an amino acid with highly similar properties. This amino acid position is conserved. In addition, this alteration is predicted to be tolerated by in silico analysis. Based on the available evidence, the clinical significance of this variant remains unclear.

NM_001211.6(BUB1B):c.1328A>G (p.Gln443Arg)

Gene: BUB1B (BUB1 mitotic checkpoint serine/threonine kinase B; plus strand). Cytogenetic location: 15q15.1.
Variant type: single nucleotide variant.
Coding change: c.1328A>G on transcript NM_001211.6 (MANE Select); coding-DNA position 1328, A replaced by G.
Protein change: p.Gln443Arg; replaces glutamine 443 with arginine.
Molecular consequence: missense variant.
Genome position (GRCh38, 1-based): chr15:40,199,654, A>G. VCF-style: chr15-40199654-A-G. GRCh37 (hg19) VCF-style: chr15-40491855-A-G.
Other names: short protein forms Q443R.
Identifiers: ClinVar variation 3993686 (VCV003993686.1).
Genomic context (GRCh38, chr15:40,199,654, plus strand): 5'-AAGCAACTTTACTGTTTCTAGCCGAGCTATTGACCAGTGCAGAGAAGAGAGCAGAAATGC[A>G]GAAACAGATTGAAGAGATGGAGAAGAAGCTAAAAGAAATCCAAACTACTCAGCAAGAAAG-3'
Protein context (NP_001202.5, residues 433-453): LTSAEKRAEM[Gln443Arg]KQIEEMEKKL